The following is an entry in ClinVar:

NM_181552.4(CUX1):c.1723G>A (p.Gly575Arg)

Gene: CUX1 (cut like homeobox 1; plus strand). Cytogenetic location: 7q22.1.
Variant type: single nucleotide variant.
Coding change: c.1723G>A on transcript NM_181552.4 (MANE Select); coding-DNA position 1723, G replaced by A.
Protein change: p.Gly575Arg; replaces glycine 575 with arginine.
Molecular consequence: missense variant. On other transcripts: intron variant (5).
Genome position (GRCh38, 1-based): chr7:102,197,134, G>A. VCF-style: chr7-102197134-G-A. GRCh37 (hg19) VCF-style: chr7-101840414-G-A.
Other names: c.1756G>A, p.Gly586Arg (NM_001202543.2); c.1255+1531G>A (NM_001913.5); c.1249+1531G>A (NM_181500.4); c.1117+1531G>A (NM_001202545.3); c.1207+1531G>A (NM_001202544.3); c.1138+1531G>A (NM_001202546.3); short protein forms G575R, G586R.
Identifiers: ClinVar variation 3361048 (VCV003361048.1).

ClinVar aggregate classification (germline): Uncertain significance (1 of 4 stars; one submission).

Submission:

GeneDx
Classification: Uncertain significance. Last evaluated: 2023-07-19. Review status: criteria provided, single submitter. Criteria: GeneDx Variant Classification Process June 2021. Collection method: clinical testing. Allele origin: germline. Affected: yes.
Comment: Not observed at significant frequency in large population cohorts (gnomAD); In silico analysis supports that this missense variant has a deleterious effect on protein structure/function; Has not been previously published as pathogenic or benign to our knowledge